The following is an entry in ClinVar:

NM_000435.3(NOTCH3):c.2150G>A (p.Arg717His)

Gene: NOTCH3 (notch receptor 3; minus strand). Cytogenetic location: 19p13.12.
Variant type: single nucleotide variant.
Coding change: c.2150G>A on transcript NM_000435.3 (MANE Select); coding-DNA position 2150, G replaced by A.
Protein change: p.Arg717His; replaces arginine 717 with histidine.
Molecular consequence: missense variant.
Genome position (GRCh38, 1-based): chr19:15,185,403, C>T on the plus strand (G>A on the coding strand, the complement: NOTCH3 is on the minus strand). VCF-style: chr19-15185403-C-T. GRCh37 (hg19) VCF-style: chr19-15296214-C-T.
Other names: short protein forms R717H.
Identifiers: ClinVar variation 3337406 (VCV003337406.2).

ClinVar aggregate classification (germline): Uncertain significance. Review status: criteria provided, multiple submitters, no conflicts (2 of 4 stars). 2 submissions from 2 submitters: Uncertain significance (2). Last evaluated 2026-08-01.

gnomAD v4.1: 34 of 1,611,670 alleles (0.0021%); highest among the groups gnomAD compares: Non-Finnish European, 0.0027%; no homozygotes.

Submissions (2):

CeGaT Center for Human Genetics Tuebingen
Classification: Uncertain significance. Last evaluated: 2026-08-01. Review status: criteria provided, single submitter. Criteria: CeGaT Center For Human Genetics Tuebingen Variant Classification Criteria Version 2. Collection method: clinical testing. Allele origin: germline. Affected: yes. Observed: 1 variant allele.
Comment: NOTCH3: PM2, BP4

Clinical Genetics Laboratory, Skane University Hospital Lund
Classification: Uncertain significance. Last evaluated: 2022-05-27. Review status: criteria provided, single submitter. Criteria: ACMG Guidelines, 2015. Collection method: clinical testing. Allele origin: germline. Affected: yes.